The following is an entry in ClinVar:

NM_198859.4(PRICKLE2):c.1527G>A (p.Glu509=)

Gene: PRICKLE2 (prickle planar cell polarity protein 2; minus strand). Cytogenetic location: 3p14.1.
Variant type: single nucleotide variant.
Coding change: c.1527G>A on transcript NM_198859.4 (MANE Select); coding-DNA position 1527, G replaced by A.
Protein change: p.Glu509=; no amino-acid change (glutamic acid 509 retained).
Molecular consequence: synonymous variant.
Genome position (GRCh38, 1-based): chr3:64,146,963, C>T on the plus strand (G>A on the coding strand, the complement: PRICKLE2 is on the minus strand). VCF-style: chr3-64146963-C-T. GRCh37 (hg19) VCF-style: chr3-64132639-C-T.
Other names: c.1527G>A, p.Glu509= (NM_001370528.1).
Identifiers: ClinVar variation 448121 (VCV000448121.43), dbSNP rs144455095, ClinGen allele CA2479617.
Genomic context (GRCh38, chr3:64,146,963, plus strand): 5'-GTATTTCAGGGAACTGATGGGATGACGGGTCCGACACTGCTGAGTGGACAAGCCCCCTTC[C>T]TCTTCCTCTTCCTCCTCATATTTGGGGACTTGGATGCTGCCTCGGGTCTCACTGAAACTC-3'
Protein context (NP_942559.1, residues 499-519): QVPKYEEEEE[Glu509=]EGGLSTQQCR

ClinVar aggregate classification (germline): Benign/Likely benign. Review status: criteria provided, multiple submitters, no conflicts (2 of 4 stars). 8 submissions from 8 submitters: Benign (3); Likely benign (4). 1 of the submissions does not count toward it. Last evaluated 2026-01-30.

Conditions:
PRICKLE2-related disorder. Also called: PRICKLE2-related condition.
Progressive myoclonic epilepsy type 5. Identifiers: Orphanet 402082, MedGen C5190799.
Progressive myoclonic epilepsy. Also called: Progressive myoclonus epilepsy; Familial progressive myoclonic epilepsy; Myoclonic Epilepsies, Progressive; Myoclonus epilepsy. Identifiers: Orphanet 308, Orphanet 98261, MedGen C0751778, MONDO:0020074.

Allele frequency attached by ClinVar (database versions not stated): gnomAD exomes 0.00019 and 0.00064; ExAC 0.00076; gnomAD 0.00219 and 0.00228; ESP Exome Variant Server 0.00238; TOPMed 0.00240; 1000 Genomes Project 0.00359; 1000 Genomes Project 30x 0.00453.
gnomAD v4.1: 629 of 1,614,016 alleles (0.039%); highest among the groups gnomAD compares: African/African-American, 0.64%; 1 homozygote.

Submissions (8):

Labcorp Genetics (formerly Invitae), Labcorp
Classification: Benign for Progressive myoclonic epilepsy type 5. Last evaluated: 2026-01-30. Review status: criteria provided, single submitter. Criteria: Invitae Variant Classification Sherloc (09022015). Collection method: clinical testing. Allele origin: germline.

Blueprint Genetics
Classification: Likely benign. Last evaluated: 2024-06-17. Review status: criteria provided, single submitter. Criteria: ACMG Guidelines, 2015. Collection method: clinical testing. Allele origin: germline.

ARUP Laboratories, Molecular Genetics and Genomics, ARUP Laboratories
Classification: Benign. Last evaluated: 2023-12-19. Review status: criteria provided, single submitter. Criteria: ARUP Molecular Germline Variant Investigation Process 2024. Collection method: clinical testing. Allele origin: germline.

CeGaT Center for Human Genetics Tuebingen
Classification: Likely benign. Last evaluated: 2022-08-01. Review status: criteria provided, single submitter. Criteria: CeGaT Center For Human Genetics Tuebingen Variant Classification Criteria Version 2. Collection method: clinical testing. Allele origin: germline. Affected: yes. Observed: 1 variant allele.
Comment: PRICKLE2: BP4, BS1

Illumina Laboratory Services, Illumina
Classification: Likely benign for Progressive myoclonic epilepsy. Last evaluated: 2018-01-12. Review status: criteria provided, single submitter. Criteria: ICSL Variant Classification Criteria 13 December 2019. Collection method: clinical testing. Allele origin: germline.
Comment: This variant was observed in the ICSL laboratory as part of a predisposition screen in an ostensibly healthy population. It had not been previously curated by ICSL or reported in the Human Gene Mutation Database (HGMD: prior to June 1st, 2018), and was therefore a candidate for classification through an automated scoring system. Utilizing variant allele frequency, disease prevalence and penetrance estimates, and inheritance mode, an automated score was calculated to assess if this variant is too frequent to cause the disease. Based on the score and internal cut-off values, a variant classified as likely benign is not then subjected to further curation. The score for this variant resulted in a classification of likely benign for this disease.

Athena Diagnostics
Classification: Benign. Last evaluated: 2016-08-22. Review status: criteria provided, single submitter. Criteria: Athena Diagnostics Criteria. Collection method: clinical testing. Allele origin: germline.

Breakthrough Genomics
Classification: Likely benign. Review status: criteria provided, single submitter. Criteria: ACMG Guidelines, 2015. Collection method: not provided. Allele origin: germline. Inheritance: Unknown mechanism. Affected: yes.

PreventionGenetics, part of Exact Sciences
Classification: Benign for PRICKLE2-related condition. Last evaluated: 2019-03-05. Review status: no assertion criteria provided. Collection method: clinical testing. Allele origin: germline. Not counted in ClinVar's aggregate classification.
Comment: This variant is classified as benign based on ACMG/AMP sequence variant interpretation guidelines (Richards et al. 2015 PMID: 25741868, with internal and published modifications).